The following is an entry in ClinVar:

NM_022367.4(SEMA4A):c.226C>T (p.Leu76Phe)

Gene: SEMA4A (semaphorin 4A; plus strand). Cytogenetic location: 1q22.
Variant type: single nucleotide variant.
Coding change: c.226C>T on transcript NM_022367.4 (MANE Select); coding-DNA position 226, C replaced by T.
Protein change: p.Leu76Phe; replaces leucine 76 with phenylalanine.
Molecular consequence: missense variant. On other transcripts: 5 prime UTR variant (4).
Genome position (GRCh38, 1-based): chr1:156,156,500, C>T. VCF-style: chr1-156156500-C-T. GRCh37 (hg19) VCF-style: chr1-156126291-C-T.
Other names: c.226C>T, p.Leu76Phe (NM_001193300.2, NM_001193301.2, NM_001370567.1); c.-72C>T (NM_001193302.2, NM_001370568.1); c.-299C>T (NM_001370569.1, NM_001370571.1); short protein forms L76F.
Identifiers: ClinVar variation 2805087 (VCV002805087.3), dbSNP rs1653044281, ClinGen allele CA342834640.

ClinVar aggregate classification (germline): Uncertain significance (1 of 4 stars; one submission).

Allele frequency attached by ClinVar (database versions not stated): TOPMed below 0.00001; gnomAD 0.00001.
gnomAD v4.1: 1 of 1,614,032 alleles (0.000062%); highest among the groups gnomAD compares: African/African-American, 0.0013%; no homozygotes.

Submission:

Labcorp Genetics (formerly Invitae), Labcorp
Classification: Uncertain significance. Last evaluated: 2026-01-18. Review status: criteria provided, single submitter. Criteria: Invitae Variant Classification Sherloc (09022015). Collection method: clinical testing. Allele origin: germline.
Comment: This sequence change replaces leucine, which is neutral and non-polar, with phenylalanine, which is neutral and non-polar, at codon 76 of the SEMA4A protein (p.Leu76Phe). This variant is not present in population databases (gnomAD no frequency). This variant has not been reported in the literature in individuals affected with SEMA4A-related conditions. ClinVar contains an entry for this variant (Variation ID: 2805087). Invitae Evidence Modeling of protein sequence and biophysical properties (such as structural, functional, and spatial information, amino acid conservation, physicochemical variation, residue mobility, and thermodynamic stability) indicates that this missense variant is expected to disrupt SEMA4A protein function with a positive predictive value of 80%. In summary, the available evidence is currently insufficient to determine the role of this variant in disease. Therefore, it has been classified as a Variant of Uncertain Significance.